The following is an entry in ClinVar:

NM_001288705.3(CSF1R):c.2862C>T (p.Cys954=)

Gene: CSF1R (colony stimulating factor 1 receptor; minus strand). Cytogenetic location: 5q32.
Variant type: single nucleotide variant.
Coding change: c.2862C>T on transcript NM_001288705.3 (MANE Select); coding-DNA position 2862, C replaced by T.
Protein change: p.Cys954=; no amino-acid change (cysteine 954 retained).
Molecular consequence: synonymous variant. On other transcripts: non-coding transcript variant (2).
Genome position (GRCh38, 1-based): chr5:150,054,126, G>A on the plus strand (C>T on the coding strand, the complement: CSF1R is on the minus strand). VCF-style: chr5-150054126-G-A. GRCh37 (hg19) VCF-style: chr5-149433689-G-A.
Other names: p.Cys954=; c.2862C>T, p.Cys954= (NM_001349736.2, NM_001375320.1, NM_005211.4); c.2418C>T, p.Cys806= (NM_001375321.1).
Identifiers: ClinVar variation 352123 (VCV000352123.40), dbSNP rs56005231, ClinGen allele CA3506294.

ClinVar aggregate classification (germline): Benign/Likely benign. Review status: criteria provided, multiple submitters, no conflicts (2 of 4 stars). 7 submissions from 7 submitters: Benign (2); Likely benign (3). 2 of the submissions do not count toward it. Last evaluated 2026-08-01.

Conditions:
CSF1R-related disorder. Also called: CSF1R-related condition. Identifiers: MedGen CN379780, MONDO:0100632.
Hereditary diffuse leukoencephalopathy with spheroids. Also called: LEUKOENCEPHALOPATHY, ADULT-ONSET, WITH AXONAL SPHEROIDS AND PIGMENTED GLIA. Identifiers: Orphanet 313808, MedGen C3711381, MONDO:0030796.

Allele frequency attached by ClinVar (database versions not stated): gnomAD exomes 0.00044; ExAC 0.00058; 1000 Genomes Project 0.00140; gnomAD 0.00140 and 0.00146; TOPMed 0.00174; 1000 Genomes Project 30x 0.00187; ESP Exome Variant Server 0.00238.
gnomAD v4.1: 627 of 1,613,962 alleles (0.039%); highest among the groups gnomAD compares: African/African-American, 0.37%; no homozygotes.

Submissions (7):

CeGaT Center for Human Genetics Tuebingen
Classification: Likely benign. Last evaluated: 2026-08-01. Review status: criteria provided, single submitter. Criteria: CeGaT Center For Human Genetics Tuebingen Variant Classification Criteria Version 2. Collection method: clinical testing. Allele origin: germline. Affected: yes. Observed: 3 variant alleles.
Comment: CSF1R: BP4, BP7

Labcorp Genetics (formerly Invitae), Labcorp
Classification: Benign. Last evaluated: 2026-01-11. Review status: criteria provided, single submitter. Criteria: Invitae Variant Classification Sherloc (09022015). Collection method: clinical testing. Allele origin: germline.

Mayo Clinic Laboratories, Mayo Clinic
Classification: Likely benign. Last evaluated: 2025-12-09. Review status: criteria provided, single submitter. Criteria: ACMG Guidelines, 2015. Collection method: clinical testing. Allele origin: germline. Observed: 2 variant alleles.
Comment: BS1, BP4, BP7

Blueprint Genetics
Classification: Likely benign. Last evaluated: 2024-10-23. Review status: criteria provided, single submitter. Criteria: ACMG Guidelines, 2015. Collection method: clinical testing. Allele origin: germline.

Illumina Laboratory Services, Illumina
Classification: Benign for Leukoencephalopathy, diffuse hereditary, with spheroids 1. Last evaluated: 2018-01-12. Review status: criteria provided, single submitter. Criteria: ICSL Variant Classification Criteria 13 December 2019. Collection method: clinical testing. Allele origin: germline.
Comment: This variant was observed in the ICSL laboratory as part of a predisposition screen in an ostensibly healthy population. It had not been previously curated by ICSL or reported in the Human Gene Mutation Database (HGMD: prior to June 1st, 2018), and was therefore a candidate for classification through an automated scoring system. Utilizing variant allele frequency, disease prevalence and penetrance estimates, and inheritance mode, an automated score was calculated to assess if this variant is too frequent to cause the disease. Based on the score and internal cut-off values, a variant classified as benign is not then subjected to further curation. The score for this variant resulted in a classification of benign for this disease.

PreventionGenetics, part of Exact Sciences
Classification: Likely benign for CSF1R-related condition. Last evaluated: 2022-05-24. Review status: no assertion criteria provided. Collection method: clinical testing. Allele origin: germline. Not counted in ClinVar's aggregate classification.
Comment: This variant is classified as likely benign based on ACMG/AMP sequence variant interpretation guidelines (Richards et al. 2015 PMID: 25741868, with internal and published modifications).

Department of Pathology and Laboratory Medicine, Sinai Health System
Classification: Likely benign. Review status: no assertion criteria provided. Collection method: clinical testing. Allele origin: unknown. Affected: yes. Study: The Canadian Open Genetics Repository (COGR). Not counted in ClinVar's aggregate classification.
Comment: The CSF1R p.Cys954Cys variant was not identified in the literature nor was it identified in Cosmic or LOVD 3.0. The variant was identified in dbSNP (ID: rs56005231), ClinVar (classified as likely benign by Illumina Clinical Services Laboratory; associated condition is Hereditary diffuse leukoencephalopathy with spheroids). The variant was identified in control databases in 152 of 281838 chromosomes at a frequency of 0.000539 increasing the likelihood this could be a low frequency benign variant (Genome Aggregation Database Feb 27, 2017) and was observed in the following populations: African in 85 of 24864 chromosomes (freq: 0.003419), Other in 3 of 7196 chromosomes (freq: 0.000417), European (non-Finnish) in 46 of 128582 chromosomes (freq: 0.000358), Latino in 12 of 35362 chromosomes (freq: 0.000339), European (Finnish) in 5 of 25014 chromosomes (freq: 0.0002) and South Asian in 1 of 30546 chromosomes (freq: 0.000033), while the variant was not observed in the Ashkenazi Jewish and East Asian populations. The p.Cys954Cys variant is not expected to have clinical significance because it does not result in a change of amino acid and is not located in a known consensus splice site. Two of four in silico or computational prediction software programs (MaxEntScan, GeneSplicer) predict the gain of a 5' splice site at c.2860, near the site of variation; this is not very predictive of pathogenicity. The p.Cys954 residue is conserved across mammals and other organisms however four out of five computational analyses (PolyPhen-2, SIFT, AlignGVGD, BLOSUM) do not usggest a high likelihood of impact to the protein; however this information is not predictive enough to rule out pathogenicity. In summary, based on the above information the clinical significance of this variant cannot be determined with certainty at this time although we would lean towards a more benign role for this variant. This variant is classified as likely benign.